The following is an entry in ClinVar:

NM_000268.4(NF2):c.810+8_810+9del

Gene: NF2 (NF2, moesin-ezrin-radixin like (MERLIN) tumor suppressor; plus strand). Cytogenetic location: 22q12.2.
Variant type: Deletion.
Coding change: c.810+8_810+9del on transcript NM_000268.4 (MANE Select); bases 8 to 9 of the intron after coding-DNA position 810, 2 bases deleted (AT; older notation c.810+8_810+9delAT).
Molecular consequence: intron variant.
Genome position (GRCh38, 1-based): chr22:29,661,347-29,661,348, AT deleted. VCF-style (leftmost placement, unchanged base first): chr22-29661346-CAT-C. GRCh37 (hg19) VCF-style: chr22-30057335-CAT-C.
Other names: c.810+8_810+9delAT (NM_181832.2, NM_000268.3); c.810+8_810+9del (NM_016418.5, NM_181832.3, NM_181825.3); c.447+19062_447+19063del (NM_181833.3); c.687+8_687+9del (NM_181829.3); c.684+8_684+9del (NM_181828.3); c.561+8_561+9del (NM_181830.3, NM_181831.3).
Identifiers: ClinVar variation 578502 (VCV000578502.14), dbSNP rs760095910, ClinGen allele CA035238.

ClinVar aggregate classification (germline): Conflicting classifications of pathogenicity. Review status: criteria provided, conflicting classifications (1 of 4 stars). 3 submissions from 3 submitters: Uncertain significance (1); Likely benign (1). 1 of the submissions does not count toward it. Last evaluated 2026-01-26.

Conditions:
NF2-related disorder. Also called: NF2-related condition.
Neurofibromatosis, type 2 (SWNV). Also called: NF2-Related Schwannomatosis; BILATERAL ACOUSTIC NEUROFIBROMATOSIS; SCHWANNOMATOSIS, VESTIBULAR. Identifiers: Orphanet 637, MedGen C0027832, MONDO:0007039, OMIM 101000. Disease mechanism: loss of function.

Allele frequency attached by ClinVar (database versions not stated): gnomAD 0.00003; gnomAD exomes 0.00006 and 0.00003; TOPMed 0.00004; ExAC 0.00002; ESP Exome Variant Server 0.00008.

Submissions (3):

Dasa
Classification: Uncertain significance. Last evaluated: 2026-01-26. Review status: criteria provided, single submitter. Criteria: DASA Assertion Criteria. Collection method: clinical testing. Allele origin: germline.
Comment: NM_000268.4(NF2):c.810+8_810+9del is a splice-region variant. This variant is rare in population databases. Computational prediction algorithms are consistent with a benign effect. The currently available literature and clinical evidence are not sufficient to establish a definitive association between this variant and the reported condition. Therefore, this variant is classified as a variant of uncertain significance.

Labcorp Genetics (formerly Invitae), Labcorp
Classification: Likely benign for Neurofibromatosis, type 2. Last evaluated: 2025-12-08. Review status: criteria provided, single submitter. Criteria: Invitae Variant Classification Sherloc (09022015). Collection method: clinical testing. Allele origin: germline.

PreventionGenetics, part of Exact Sciences
Classification: Likely benign for NF2-related condition. Last evaluated: 2020-12-14. Review status: no assertion criteria provided. Collection method: clinical testing. Allele origin: germline. Not counted in ClinVar's aggregate classification.
Comment: This variant is classified as likely benign based on ACMG/AMP sequence variant interpretation guidelines (Richards et al. 2015 PMID: 25741868, with internal and published modifications).